The following is an entry in ClinVar:

NM_006904.7(PRKDC):c.8375C>G (p.Thr2792Ser)

Gene: PRKDC (protein kinase, DNA-activated, catalytic subunit; minus strand). Cytogenetic location: 8q11.21.
Variant type: single nucleotide variant.
Coding change: c.8375C>G on transcript NM_006904.7 (MANE Select); coding-DNA position 8375, C replaced by G.
Protein change: p.Thr2792Ser; replaces threonine 2792 with serine.
Molecular consequence: missense variant.
Genome position (GRCh38, 1-based): chr8:47,830,627, G>C on the plus strand (C>G on the coding strand, the complement: PRKDC is on the minus strand). VCF-style: chr8-47830627-G-C. GRCh37 (hg19) VCF-style: chr8-48743188-G-C.
Other names: c.8375C>G, p.Thr2792Ser (NM_001081640.2); short protein forms T2792S.
Identifiers: ClinVar variation 3425329 (VCV003425329.1).
Genomic context (GRCh38, chr8:47,830,627, plus strand): 5'-TTAACCTGTCAACAGAAAACGCAGCGGCAAAAACTGACCTGGGCCACGGCCTGTAACGGG[G>C]TGATGAGGCTGCTGTGCTTGATCTGAATGTCAGGAAGGTCTCCGTGCCGGTAGCTTCTGT-3'
Protein context (NP_008835.5, residues 2782-2802): DIQIKHSSLI[Thr2792Ser]PLQAVAQRDP

ClinVar aggregate classification (germline): Uncertain significance (1 of 4 stars; one submission).

Submission:

Ambry Genetics
Classification: Uncertain significance. Last evaluated: 2024-09-08. Review status: criteria provided, single submitter. Criteria: Ambry Variant Classification Scheme 2023. Collection method: clinical testing. Allele origin: germline.
Comment: The p.T2792S variant (also known as c.8375C>G), located in coding exon 61 of the PRKDC gene, results from a C to G substitution at nucleotide position 8375. The threonine at codon 2792 is replaced by serine, an amino acid with similar properties. This amino acid position is conserved. Based on the available evidence, the clinical significance of this variant remains unclear.